The following is an entry in ClinVar:

ClinVar aggregate classification (germline): Uncertain significance. Review status: criteria provided, multiple submitters, no conflicts (2 of 4 stars). 3 submissions from 3 submitters: Uncertain significance (3). Last evaluated 2025-10-30.

Conditions:
Inborn genetic diseases. Identifiers: MedGen C0950123, MeSH D030342.

Allele frequency attached by ClinVar (database versions not stated): ExAC 0.00001; gnomAD exomes 0.00001; gnomAD 0.00002; TOPMed 0.00002.
gnomAD v4.1: 24 of 1,612,822 alleles (0.0015%); highest among the groups gnomAD compares: Middle Eastern, 0.066%; no homozygotes.

Submissions (3):

Ambry Genetics
Classification: Uncertain significance for Inborn genetic diseases. Last evaluated: 2025-10-30. Review status: criteria provided, single submitter. Criteria: Ambry Variant Classification Scheme 2023. Collection method: clinical testing. Allele origin: germline.

CeGaT Center for Human Genetics Tuebingen
Classification: Uncertain significance. Last evaluated: 2024-02-01. Review status: criteria provided, single submitter. Criteria: CeGaT Center For Human Genetics Tuebingen Variant Classification Criteria Version 2. Collection method: clinical testing. Allele origin: germline. Affected: yes. Observed: 1 variant allele.
Comment: MCM3AP: PM2, BP4

Labcorp Genetics (formerly Invitae), Labcorp
Classification: Uncertain significance. Last evaluated: 2021-09-02. Review status: criteria provided, single submitter. Criteria: Invitae Variant Classification Sherloc (09022015). Collection method: clinical testing. Allele origin: germline.
Comment: This sequence change replaces lysine with methionine at codon 1527 of the MCM3AP protein (p.Lys1527Met). The lysine residue is moderately conserved and there is a moderate physicochemical difference between lysine and methionine. This variant is present in population databases (rs781392701, ExAC 0.01%). This variant has not been reported in the literature in individuals affected with MCM3AP-related conditions. Algorithms developed to predict the effect of missense changes on protein structure and function are either unavailable or do not agree on the potential impact of this missense change (SIFT: "Deleterious"; PolyPhen-2: "Possibly Damaging"; Align-GVGD: "Class C0"). In summary, the available evidence is currently insufficient to determine the role of this variant in disease. Therefore, it has been classified as a Variant of Uncertain Significance.

NM_003906.5(MCM3AP):c.4580A>T (p.Lys1527Met)

Genes: MCM3AP (minichromosome maintenance complex component 3 associated protein; minus strand), MCM3AP-AS1 (MCM3AP antisense RNA 1; plus strand). Cytogenetic location: 21q22.3.
Variant type: single nucleotide variant.
Coding change: c.4580A>T on transcript NM_003906.5 (MANE Select); coding-DNA position 4580, A replaced by T.
Protein change: p.Lys1527Met; replaces lysine 1527 with methionine.
Molecular consequence: missense variant.
Genome position (GRCh38, 1-based): chr21:46,246,374, T>A on the plus strand (A>T on the coding strand, the complement: MCM3AP is on the minus strand). VCF-style: chr21-46246374-T-A. GRCh37 (hg19) VCF-style: chr21-47666288-T-A.
Other names: c.4580A>T (NM_003906.3); short protein forms K1527M.
Identifiers: ClinVar variation 1502093 (VCV001502093.27), dbSNP rs781392701, ClinGen allele CA10076076.